The following is an entry in ClinVar:

ClinVar aggregate classification (germline): Uncertain significance (1 of 4 stars; one submission).

Conditions:
Autosomal dominant nocturnal frontal lobe epilepsy 5. Also called: KCNT1-Related Epilepsy; Epilepsy, nocturnal frontal lobe, 5; CILIARY DYSKINESIA, PRIMARY, 28, WITHOUT SITUS INVERSUS; CILIARY DYSKINESIA, PRIMARY, 28, WITH SITUS INVERSUS. Identifiers: Orphanet 98784, MedGen C3554306, MONDO:0014002, OMIM 615005.
Developmental and epileptic encephalopathy, 14 (DEE14). Also called: Early infantile epileptic encephalopathy 14. Identifiers: Orphanet 293181, MedGen C3554195, MONDO:0013989, OMIM 614959.

Allele frequency attached by ClinVar (database versions not stated): gnomAD exomes 0.00001.
gnomAD v4.1: 4 of 1,611,036 alleles (0.00025%); highest among the groups gnomAD compares: Non-Finnish European, 0.00025%; no homozygotes.

Submission:

Labcorp Genetics (formerly Invitae), Labcorp
Classification: Uncertain significance for Autosomal dominant nocturnal frontal lobe epilepsy 5; Developmental and epileptic encephalopathy, 14. Last evaluated: 2021-09-23. Review status: criteria provided, single submitter. Criteria: Invitae Variant Classification Sherloc (09022015). Collection method: clinical testing. Allele origin: germline.
Comment: In summary, the available evidence is currently insufficient to determine the role of this variant in disease. Therefore, it has been classified as a Variant of Uncertain Significance. Advanced modeling of protein sequence and biophysical properties (such as structural, functional, and spatial information, amino acid conservation, physicochemical variation, residue mobility, and thermodynamic stability) performed at Invitae indicates that this missense variant is not expected to disrupt KCNT1 protein function. This variant has not been reported in the literature in individuals affected with KCNT1-related conditions. This variant is not present in population databases (ExAC no frequency). This sequence change replaces threonine with methionine at codon 410 of the KCNT1 protein (p.Thr410Met). The threonine residue is moderately conserved and there is a moderate physicochemical difference between threonine and methionine.

NM_020822.3(KCNT1):c.1229C>T (p.Thr410Met)

Gene: KCNT1 (potassium sodium-activated channel subfamily T member 1; plus strand). Cytogenetic location: 9q34.3.
Variant type: single nucleotide variant.
Coding change: c.1229C>T on transcript NM_020822.3 (MANE Select); coding-DNA position 1229, C replaced by T.
Protein change: p.Thr410Met; replaces threonine 410 with methionine.
Molecular consequence: missense variant.
Genome position (GRCh38, 1-based): chr9:135,765,652, C>T. VCF-style: chr9-135765652-C-T. GRCh37 (hg19) VCF-style: chr9-138657498-C-T.
Other names: c.1094C>T, p.Thr365Met (NM_001272003.2); short protein forms T365M, T410M.
Identifiers: ClinVar variation 1505204 (VCV001505204.6), dbSNP rs954342612, ClinGen allele CA201465649.